The following is an entry in ClinVar:

ClinVar aggregate classification (germline): Uncertain significance (1 of 4 stars; one submission).

Submission:

Labcorp Genetics (formerly Invitae), Labcorp
Classification: Uncertain significance. Last evaluated: 2022-05-21. Review status: criteria provided, single submitter. Criteria: Invitae Variant Classification Sherloc (09022015). Collection method: clinical testing. Allele origin: germline.
Comment: Algorithms developed to predict the effect of missense changes on protein structure and function are either unavailable or do not agree on the potential impact of this missense change (SIFT: "Not Available"; PolyPhen-2: "Possibly Damaging"; Align-GVGD: "Not Available"). In summary, the available evidence is currently insufficient to determine the role of this variant in disease. Therefore, it has been classified as a Variant of Uncertain Significance. This variant has not been reported in the literature in individuals affected with VPS13D-related conditions. This variant is not present in population databases (gnomAD no frequency). This sequence change replaces threonine, which is neutral and polar, with serine, which is neutral and polar, at codon 2964 of the VPS13D protein (p.Thr2964Ser).

NM_015378.4(VPS13D):c.8890A>T (p.Thr2964Ser)

Gene: VPS13D (vacuolar protein sorting 13 homolog D; plus strand). Cytogenetic location: 1p36.22.
Variant type: single nucleotide variant.
Coding change: c.8890A>T on transcript NM_015378.4 (MANE Select); coding-DNA position 8890, A replaced by T.
Protein change: p.Thr2964Ser; replaces threonine 2964 with serine.
Molecular consequence: missense variant.
Genome position (GRCh38, 1-based): chr1:12,345,378, A>T. VCF-style: chr1-12345378-A-T. GRCh37 (hg19) VCF-style: chr1-12405435-A-T.
Other names: c.8815A>T, p.Thr2939Ser (NM_018156.4); short protein forms T2939S, T2964S.
Identifiers: ClinVar variation 2109979 (VCV002109979.4), dbSNP rs2524330888, ClinGen allele CA338490573.